The following is an entry in ClinVar:

ClinVar aggregate classification (germline): Pathogenic (1 of 4 stars; one submission).

Conditions:
Hereditary cancer-predisposing syndrome. Also called: Hereditary Cancer Syndrome; Hereditary neoplastic syndrome; Neoplastic Syndromes, Hereditary; Tumor predisposition. Identifiers: Orphanet 140162, MedGen C0027672, MeSH D009386, MONDO:0015356.

Submission:

Ambry Genetics
Classification: Pathogenic for Hereditary cancer-predisposing syndrome. Last evaluated: 2021-10-05. Review status: criteria provided, single submitter. Criteria: Ambry Variant Classification Scheme 2023. Collection method: clinical testing. Allele origin: germline.
Comment: The c.959dupT pathogenic mutation, located in coding exon 9 of the BRCA2 gene, results from a duplication of T at nucleotide position 959, causing a translational frameshift with a predicted alternate stop codon (p.Q321Tfs*6). This variant is considered to be rare based on population cohorts in the Genome Aggregation Database (gnomAD). This alteration is expected to result in loss of function by premature protein truncation or nonsense-mediated mRNA decay. As such, this alteration is interpreted as a disease-causing mutation.

NM_000059.4(BRCA2):c.959dup (p.Gln321fs)

Gene: BRCA2 (BRCA2 DNA repair associated; plus strand). Cytogenetic location: 13q13.1.
Variant type: Duplication.
Coding change: c.959dup on transcript NM_000059.4 (MANE Select); coding-DNA position 959, one base duplicated (T; older notation c.959dupT).
Protein change: p.Gln321fs; shifts the reading frame from glutamine 321.
Molecular consequence: frameshift variant.
Genome position (GRCh38, 1-based): chr13:32,332,437, T duplicated. VCF-style (leftmost placement, unchanged base first): chr13-32332436-C-CT. GRCh37 (hg19) VCF-style: chr13-32906573-C-CT.
Other names: c.959dup, p.Gln321Thrfs (NM_001406719.1, NM_001406720.1, NM_001406721.1); c.959dupT (NM_000059.3); short protein forms Q321fs.
Identifiers: ClinVar variation 1767499 (VCV001767499.2), dbSNP rs2548519206, ClinGen allele CA2580087179.